The following is an entry in ClinVar:

NM_004979.6(KCND1):c.1285-12CT[2]

Gene: KCND1 (potassium voltage-gated channel subfamily D member 1; minus strand). Cytogenetic location: Xp11.23.
Variant type: Microsatellite.
Coding change: c.1285-12CT[2] on transcript NM_004979.6 (MANE Select); two copies in a row of the 2-base unit CT starting at c.1285-12; the reference has four copies in a row; two copies, 4 bases deleted.
Molecular consequence: intron variant.
Genome position (GRCh38, 1-based): chrX:48,966,849-48,966,852, AGAG deleted on the plus strand (CTCT on the coding strand, the reverse complement: KCND1 is on the minus strand); deleting any 4 consecutive bases within chrX:48,966,849-48,966,856 gives the same sequence; the position shown is the placement nearest the transcript's 3' end. VCF-style (leftmost placement, unchanged base first): chrX-48966848-CAGAG-C. GRCh37 (hg19) VCF-style: chrX-48823255-CAGAG-C.
Identifiers: ClinVar variation 2660493 (VCV002660493.24), dbSNP rs2064490389, ClinGen allele CA2695200197.
Genomic context (GRCh38, chrX:48,966,848, plus strand): 5'-CAGGAAGGCATTGGTGGTACCACTCTTTGCCAATCGGATCCTTGCCAAGCGCACCTTCTG[CAGAG>C]AGAGGAGATAAAAGGTCAGGTGGGTAAGCCCCAAAGTAGACTGGCTTGGGGTGTGGGGAG-3'

ClinVar aggregate classification (germline): Uncertain significance (1 of 4 stars; one submission).

Submission:

CeGaT Center for Human Genetics Tuebingen
Classification: Uncertain significance. Last evaluated: 2023-03-01. Review status: criteria provided, single submitter. Criteria: CeGaT Center For Human Genetics Tuebingen Variant Classification Criteria Version 2. Collection method: clinical testing. Allele origin: germline. Affected: yes. Observed: 1 variant allele.
Comment: KCND1: PM2, BP4